The following is an entry in ClinVar:

ClinVar aggregate classification (germline): Uncertain significance (1 of 4 stars; one submission).

Conditions:
Hereditary cancer-predisposing syndrome. Also called: Neoplastic Syndromes, Hereditary; Tumor predisposition; Hereditary neoplastic syndrome; Hereditary Cancer Syndrome. Identifiers: Orphanet 140162, MedGen C0027672, MeSH D009386, MONDO:0015356.

Submission:

Ambry Genetics
Classification: Uncertain significance for Hereditary cancer-predisposing syndrome. Last evaluated: 2026-07-08. Review status: criteria provided, single submitter. Criteria: Ambry Variant Classification Scheme 2023. Collection method: clinical testing. Allele origin: germline.
Comment: The p.V175M variant (also known as c.523G>A), located in coding exon 5 of the SMARCB1 gene, results from a G to A substitution at nucleotide position 523. The valine at codon 175 is replaced by methionine, an amino acid with highly similar properties. This amino acid position is conserved. In addition, this alteration is predicted to be deleterious by in silico analysis. Based on the available evidence, the clinical significance of this variant remains unclear.

NM_003073.5(SMARCB1):c.523G>A (p.Val175Met)

Gene: SMARCB1 (SWI/SNF related BAF chromatin remodeling complex subunit B1; plus strand). Cytogenetic location: 22q11.23.
Variant type: single nucleotide variant.
Coding change: c.523G>A on transcript NM_003073.5 (MANE Select); coding-DNA position 523, G replaced by A.
Protein change: p.Val175Met; replaces valine 175 with methionine.
Molecular consequence: missense variant.
Genome position (GRCh38, 1-based): chr22:23,803,317, G>A. VCF-style: chr22-23803317-G-A. GRCh37 (hg19) VCF-style: chr22-24145504-G-A.
Other names: c.496G>A, p.Val166Met (NM_001007468.3); c.550G>A, p.Val184Met (NM_001317946.2); c.577G>A, p.Val193Met (NM_001362877.2); short protein forms V166M, V184M, V175M, V193M.
Identifiers: ClinVar variation 5029935 (VCV005029935.1).